The following is an entry in ClinVar:

ClinVar aggregate classification (germline): Uncertain significance (1 of 4 stars; one submission).

Allele frequency attached by ClinVar (database versions not stated): TOPMed below 0.00001; ExAC 0.00001; ESP Exome Variant Server 0.00008.

Submission:

Ambry Genetics
Classification: Uncertain significance. Last evaluated: 2021-08-21. Review status: criteria provided, single submitter. Criteria: Ambry Variant Classification Scheme 2023. Collection method: clinical testing. Allele origin: germline.
Comment: The p.H303Y variant (also known as c.907C>T), located in coding exon 10 of the PRKDC gene, results from a C to T substitution at nucleotide position 907. The histidine at codon 303 is replaced by tyrosine, an amino acid with similar properties. This amino acid position is conserved. In addition, the in silico prediction for this alteration is inconclusive. Since supporting evidence is limited at this time, the clinical significance of this alteration remains unclear.

NM_006904.7(PRKDC):c.907C>T (p.His303Tyr)

Gene: PRKDC (protein kinase, DNA-activated, catalytic subunit; minus strand). Cytogenetic location: 8q11.21.
Variant type: single nucleotide variant.
Coding change: c.907C>T on transcript NM_006904.7 (MANE Select); coding-DNA position 907, C replaced by T.
Protein change: p.His303Tyr; replaces histidine 303 with tyrosine.
Molecular consequence: missense variant.
Genome position (GRCh38, 1-based): chr8:47,943,268, G>A on the plus strand (C>T on the coding strand, the complement: PRKDC is on the minus strand). VCF-style: chr8-47943268-G-A. GRCh37 (hg19) VCF-style: chr8-48855828-G-A.
Other names: c.907C>T, p.His303Tyr (NM_001081640.2); short protein forms H303Y.
Identifiers: ClinVar variation 1765699 (VCV001765699.2), dbSNP rs371303282, ClinGen allele CA4741886.
Genomic context (GRCh38, chr8:47,943,268, plus strand): 5'-CCTGTTTCAGAAAGGATTCCAGGGCTGAAAGTGCAGCTTTTTTCAATTCTACATTTGTGT[G>A]GGCACACCACTTTAACAAGACTTCAAATAGAGACACGTAGTTGTCCAGAAGGCAGGTGCT-3'
Protein context (NP_008835.5, residues 293-313): LFEVLLKWCA[His303Tyr]TNVELKKAAL